The following is an entry in ClinVar:

NM_001846.4(COL4A2):c.3135C>T (p.Pro1045=)

Gene: COL4A2 (collagen type IV alpha 2 chain; plus strand). Cytogenetic location: 13q34.
Variant type: single nucleotide variant.
Coding change: c.3135C>T on transcript NM_001846.4 (MANE Select); coding-DNA position 3135, C replaced by T.
Protein change: p.Pro1045=; no amino-acid change (proline 1045 retained).
Molecular consequence: synonymous variant.
Genome position (GRCh38, 1-based): chr13:110,485,764, C>T. VCF-style: chr13-110485764-C-T. GRCh37 (hg19) VCF-style: chr13-111138111-C-T.
Other names: c.3135C>T (NM_001846.3).
Identifiers: ClinVar variation 1537422 (VCV001537422.31), dbSNP rs187735087, ClinGen allele CA7050092.

ClinVar aggregate classification (germline): Benign/Likely benign. Review status: criteria provided, multiple submitters, no conflicts (2 of 4 stars). 3 submissions from 3 submitters: Benign (1); Likely benign (1). 1 of the submissions does not count toward it. Last evaluated 2026-01-05.

Conditions:
COL4A2-related disorder. Also called: COL4A2-related disorders; COL4A2-related condition.

Allele frequency attached by ClinVar (database versions not stated): 1000 Genomes Project 30x 0.00031; 1000 Genomes Project 0.00040; ESP Exome Variant Server 0.00008; gnomAD exomes 0.00008 and 0.00022; TOPMed 0.00014; gnomAD 0.00016 and 0.00018; ExAC 0.00024.
gnomAD v4.1: 152 of 1,613,946 alleles (0.0094%); highest among the groups gnomAD compares: East Asian, 0.24%; no homozygotes.

Submissions (3):

Labcorp Genetics (formerly Invitae), Labcorp
Classification: Benign. Last evaluated: 2026-01-05. Review status: criteria provided, single submitter. Criteria: Invitae Variant Classification Sherloc (09022015). Collection method: clinical testing. Allele origin: germline.

CeGaT Center for Human Genetics Tuebingen
Classification: Likely benign. Last evaluated: 2022-11-01. Review status: criteria provided, single submitter. Criteria: CeGaT Center For Human Genetics Tuebingen Variant Classification Criteria Version 2. Collection method: clinical testing. Allele origin: germline. Affected: yes. Observed: 1 variant allele.
Comment: COL4A2: BP4, BP7, BS1

PreventionGenetics, part of Exact Sciences
Classification: Likely benign for COL4A2-related condition. Last evaluated: 2024-08-05. Review status: no assertion criteria provided. Collection method: clinical testing. Allele origin: germline. Not counted in ClinVar's aggregate classification.
Comment: This variant is classified as likely benign based on ACMG/AMP sequence variant interpretation guidelines (Richards et al. 2015 PMID: 25741868, with internal and published modifications).